The following is an entry in ClinVar:

ClinVar aggregate classification (germline): Uncertain significance (1 of 4 stars; one submission).

Submission:

GeneDx
Classification: Uncertain significance. Last evaluated: 2026-04-14. Review status: criteria provided, single submitter. Criteria: GeneDx Variant Classification Process June 2021. Collection method: clinical testing. Allele origin: germline.
Comment: Not observed at significant frequency in large population cohorts (gnomAD); In silico analysis supports that this missense variant has a deleterious effect on protein structure/function; Has not been previously published as pathogenic or benign to our knowledge

NM_004415.4(DSP):c.6923T>C (p.Leu2308Ser)

Gene: DSP (desmoplakin; plus strand). Cytogenetic location: 6p24.3.
Variant type: single nucleotide variant.
Coding change: c.6923T>C on transcript NM_004415.4 (MANE Select); coding-DNA position 6923, T replaced by C.
Protein change: p.Leu2308Ser; replaces leucine 2308 with serine.
Molecular consequence: missense variant.
Genome position (GRCh38, 1-based): chr6:7,584,185, T>C. VCF-style: chr6-7584185-T-C. GRCh37 (hg19) VCF-style: chr6-7584418-T-C.
Other names: c.5126T>C, p.Leu1709Ser (NM_001008844.3); c.5594T>C, p.Leu1865Ser (NM_001319034.2); short protein forms L1709S, L1865S, L2308S.
Identifiers: ClinVar variation 5037215 (VCV005037215.1).
Genomic context (GRCh38, chr6:7,584,185, plus strand): 5'-CTCTGGAGTTGCTGGAAGCCCAAGCAGCTACTGGCTTTATAGTGGATCCTGTTAGCAACT[T>C]GAGGTTACCAGTGGAGGAAGCCTACAAGAGAGGTCTGGTGGGCATTGAGTTCAAAGAGAA-3'
Protein context (NP_004406.2, residues 2298-2318): TGFIVDPVSN[Leu2308Ser]RLPVEEAYKR